The following is an entry in ClinVar:

ClinVar aggregate classification (germline): Likely pathogenic. Review status: criteria provided, multiple submitters, no conflicts (2 of 4 stars). 2 submissions from 2 submitters: Likely pathogenic (2). Last evaluated 2025-04-30.

Conditions:
Baller-Gerold syndrome (BGS). Also called: CRANIOSYNOSTOSIS WITH RADIAL DEFECTS. Identifiers: Orphanet 1225, MedGen C0265308, MONDO:0009039, OMIM 218600.
Rapadilino syndrome. Identifiers: Orphanet 3021, MedGen C1849453, MONDO:0009955, OMIM 266280.
Rothmund-Thomson syndrome type 2 (RTS2). Identifiers: Orphanet 221016, MedGen C5203410, MONDO:0016369, OMIM 268400.

Submissions (2):

First Genomix Gene Laboratory, Genetic Diagnostics Department
Classification: Likely pathogenic for Baller-Gerold syndrome; Rapadilino syndrome; Rothmund-Thomson syndrome type 2. Last evaluated: 2025-04-30. Review status: criteria provided, single submitter. Criteria: ACMG Guidelines, 2015. Collection method: clinical testing. Allele origin: germline. Inheritance: Autosomal recessive inheritance. Affected: no. Observed: 1 variant allele.

Labcorp Genetics (formerly Invitae), Labcorp
Classification: Likely pathogenic for Baller-Gerold syndrome. Last evaluated: 2021-12-11. Review status: criteria provided, single submitter. Criteria: Invitae Variant Classification Sherloc (09022015). Collection method: clinical testing. Allele origin: germline.
Comment: This sequence change affects an acceptor splice site in intron 3 of the RECQL4 gene. It is expected to disrupt RNA splicing. Variants that disrupt the donor or acceptor splice site typically lead to a loss of protein function (PMID: 16199547), and loss-of-function variants in RECQL4 are known to be pathogenic (PMID: 12734318, 12952869). This variant is not present in population databases (gnomAD no frequency). This variant has not been reported in the literature in individuals affected with RECQL4-related conditions. Algorithms developed to predict the effect of sequence changes on RNA splicing suggest that this variant may disrupt the consensus splice site. In summary, the currently available evidence indicates that the variant is pathogenic, but additional data are needed to prove that conclusively. Therefore, this variant has been classified as Likely Pathogenic.

Literature cited by the submitters: PubMed 16199547 (cited by Labcorp Genetics (formerly Invitae), Labcorp); PubMed 12734318 (cited by Labcorp Genetics (formerly Invitae), Labcorp); PubMed 12952869 (cited by Labcorp Genetics (formerly Invitae), Labcorp).

NM_004260.4(RECQL4):c.214-2A>G

Gene: RECQL4 (RecQ like helicase 4; minus strand). Cytogenetic location: 8q24.3.
Variant type: single nucleotide variant.
Coding change: c.214-2A>G on transcript NM_004260.4 (MANE Select); the canonical splice acceptor site of the intron before coding-DNA position 214, A replaced by G.
Molecular consequence: splice acceptor variant.
Genome position (GRCh38, 1-based): chr8:144,517,192, T>C on the plus strand (A>G on the coding strand, the complement: RECQL4 is on the minus strand). VCF-style: chr8-144517192-T-C. GRCh37 (hg19) VCF-style: chr8-145742576-T-C.
Other names: c.85-2A>G (NM_001413025.1); c.214-2A>G (NM_001413029.1, NM_001413017.1, NM_001413020.1 and 5 more transcripts); c.-817-2A>G (NM_001413032.1); c.-755-2A>G (NM_001413035.1, NM_001413024.1); c.-920-2A>G (NM_001413027.1, NM_001413031.1, NM_001413030.1 and 1 more transcripts); c.-858-2A>G (NM_001413040.1, NM_001413042.1, NM_001413037.1 and 3 more transcripts); c.-507-2A>G (NM_001413021.1); c.-583-2A>G (NM_001413028.1); and 2 more.
Identifiers: ClinVar variation 2039945 (VCV002039945.5), dbSNP rs2538114200, ClinGen allele CA372692409.
Genomic context (GRCh38, chr8:144,517,192, plus strand): 5'-TGTGGACTCTTGGTCGCAGCCCGATTCAGATGGGGCCCCCAGCAGCGGGGCTCTGGCGCC[T>C]GCAGGAGACAACAGGGGCACAGGCCAGAAAAGGCTGTTGTGGCGGCAGAAGCGCTCCCAG-3'